The following is an entry in ClinVar:

NM_012062.5(DNM1L):c.305C>T (p.Thr102Met)

Gene: DNM1L (dynamin 1L; plus strand). Cytogenetic location: 12p11.21.
Variant type: single nucleotide variant.
Coding change: c.305C>T on transcript NM_012062.5 (MANE Select); coding-DNA position 305, C replaced by T.
Protein change: p.Thr102Met; replaces threonine 102 with methionine.
Molecular consequence: missense variant. On other transcripts: intron variant (1).
Genome position (GRCh38, 1-based): chr12:32,708,160, C>T. VCF-style: chr12-32708160-C-T. GRCh37 (hg19) VCF-style: chr12-32861094-C-T.
Other names: p.T102M:ACG>ATG; c.305C>T, p.Thr102Met (NM_001278463.2, NM_005690.5, NM_012063.4); c.344C>T, p.Thr115Met (NM_001278464.2, NM_001278465.2, NM_001330380.2); c.131+747C>T (NM_001278466.2); c.305C>T (NM_012062.4); short protein forms T102M, T115M.
Identifiers: ClinVar variation 214308 (VCV000214308.22), dbSNP rs201929226, ClinGen allele CA320842.
Genomic context (GRCh38, chr12:32,708,160, plus strand): 5'-GAACTTTTGATCTTATTTTGAATATTATGCTTTTTTATTTCAAAAATTTTTAGCTTTACA[C>T]GGATTTTGATGAAATTCGACAAGAAATTGAAAATGAAACAGAAAGAATTTCAGGAAATAA-3'
Protein context (NP_036192.2, residues 92-112): KFLHTKNKLY[Thr102Met]DFDEIRQEIE

ClinVar aggregate classification (germline): Uncertain significance. Review status: criteria provided, multiple submitters, no conflicts (2 of 4 stars). 10 submissions from 10 submitters: Uncertain significance (10). Last evaluated 2026-08-25.

Conditions:
Encephalopathy, lethal, due to defective mitochondrial peroxisomal fission 1. Also called: Lethal Encephalopathy Due To Defective Mitochondrial Peroxisomal Fission. Identifiers: Orphanet 330050, MedGen C3280660, MONDO:0013726, OMIM 614388.
Optic atrophy 5 (OPA5). Identifiers: Orphanet 98673, MedGen C1853139, MONDO:0012543, OMIM 610708.
Inborn genetic diseases. Identifiers: MedGen C0950123, MeSH D030342.
DNM1L-related disorder. Also called: DNM1L-related condition.
Incidental Discovery. Identifiers: MedGen C1135954.

Allele frequency attached by ClinVar (database versions not stated): 1000 Genomes Project 30x 0.00016; TOPMed 0.00022; gnomAD 0.00024 and 0.00026; gnomAD exomes 0.00028 and 0.00023; ExAC 0.00031; ESP Exome Variant Server 0.00031; 1000 Genomes Project 0.00020.
gnomAD v4.1: 383 of 1,597,708 alleles (0.024%); highest among the groups gnomAD compares: Middle Eastern, 0.1%; no homozygotes.

Submissions (10):

Clinical Genetics Laboratory, Skane University Hospital Lund
Classification: Uncertain significance for Incidental Discovery. Last evaluated: 2026-08-25. Review status: criteria provided, single submitter. Criteria: ACMG Guidelines, 2015. Collection method: clinical testing. Allele origin: germline. Inheritance: Autosomal recessive inheritance. Affected: yes.
Comment: PM2, PP3

Women's Health and Genetics/Laboratory Corporation of America, LabCorp
Classification: Uncertain significance. Last evaluated: 2026-06-02. Review status: criteria provided, single submitter. Criteria: LabCorp Variant Classification Summary - May 2015. Collection method: clinical testing. Allele origin: germline.
Comment: Variant summary: DNM1L c.305C>T (p.Thr102Met) results in a non-conservative amino acid change in the encoded protein sequence. Algorithms developed to predict the effect of missense changes on protein structure and function all suggest that this variant is likely to be disruptive. The variant allele was found at a frequency of 0.00028 in 247996 control chromosomes. This frequency is not significantly higher than estimated for disease-causing variants in DNM1L, allowing no conclusion about variant significance. These reports do not provide unequivocal conclusions about association of the variant with disease. At least one publication reports experimental evidence evaluating an impact on protein function demonstrating a diminished ability to oligomerize under oxidative stress, however, does not allow convincing conclusions about the variant effect (Hogarth_2018). The following publications have been ascertained in the context of this evaluation (PMID: 38088023, 29110115, 40565516, 34356170). ClinVar contains an entry for this variant (Variation ID: 214308). Based on the evidence outlined above, the variant was classified as uncertain significance.

Labcorp Genetics (formerly Invitae), Labcorp
Classification: Uncertain significance. Last evaluated: 2026-02-03. Review status: criteria provided, single submitter. Criteria: Invitae Variant Classification Sherloc (09022015). Collection method: clinical testing. Allele origin: germline.
Comment: This sequence change replaces threonine, which is neutral and polar, with methionine, which is neutral and non-polar, at codon 102 of the DNM1L protein (p.Thr102Met). This variant is present in population databases (rs201929226, gnomAD 0.04%). This missense change has been observed in individual(s) with autosomal recessive encephalopathy (PMID: 29110115). This variant is also known as p.Thr115Met. ClinVar contains an entry for this variant (Variation ID: 214308). An algorithm developed to predict the effect of missense changes on protein structure and function (PolyPhen-2) suggests that this variant is likely to be disruptive. In summary, the available evidence is currently insufficient to determine the role of this variant in disease. Therefore, it has been classified as a Variant of Uncertain Significance.

PreventionGenetics, part of Exact Sciences
Classification: Uncertain significance for DNM1L-related condition. Last evaluated: 2025-06-27. Review status: criteria provided, single submitter. Criteria: ACMG Guidelines, 2015. Collection method: clinical testing. Allele origin: germline.
Comment: The DNM1L c.305C>T variant is predicted to result in the amino acid substitution p.Thr102Met. This variant was reported in the homozygous state with alternative nomenclature (c.305C>T, Thr115Met) in an individual with severe neurological impairment (Hogarth et al. 2018. PubMed ID: 29110115). It has also been reported in the heterozygous state with de novo occurrence in an individual with intellectual disability and autism spectrum, but the authors classified it as a variant of uncertain significance (Table S4, Valentino et al. 2021. PubMed ID: 34356170). This variant is present in 0.041% of alleles in individuals of European (Non-Finnish) descent in gnomAD, including among individuals of the control and non-neuro populations. This frequency is likely too high for a disease of autosomal dominant inheritance, but may be consistent with autosomal recessive inheritance. At this time, the clinical significance of this variant is uncertain due to the absence of conclusive functional and genetic evidence.

Blueprint Genetics
Classification: Uncertain significance. Last evaluated: 2024-10-02. Review status: criteria provided, single submitter. Criteria: ACMG Guidelines, 2015. Collection method: clinical testing. Allele origin: germline.

ARUP Laboratories, Molecular Genetics and Genomics, ARUP Laboratories
Classification: Uncertain significance. Last evaluated: 2024-03-07. Review status: criteria provided, single submitter. Criteria: ARUP Molecular Germline Variant Investigation Process 2024. Collection method: clinical testing. Allele origin: germline.

GeneDx
Classification: Uncertain significance. Last evaluated: 2023-11-27. Review status: criteria provided, single submitter. Criteria: GeneDx Variant Classification Process June 2021. Collection method: clinical testing. Allele origin: germline. Affected: yes.
Comment: Reported as de novo in one individual with autism or intellectual disability; detailed clinical information was not reported (PMID: 34356170); In silico analysis supports that this missense variant has a deleterious effect on protein structure/function; This variant is associated with the following publications: (PMID: 34426522, 35741050, 34356170, 29110115, 30850373)

Ambry Genetics
Classification: Uncertain significance for Inborn genetic diseases. Last evaluated: 2023-06-07. Review status: criteria provided, single submitter. Criteria: Ambry Variant Classification Scheme 2023. Collection method: clinical testing. Allele origin: germline.

Fulgent Genetics
Classification: Uncertain significance for Optic atrophy 5; Encephalopathy, lethal, due to defective mitochondrial peroxisomal fission 1. Last evaluated: 2018-10-31. Review status: criteria provided, single submitter. Criteria: ACMG Guidelines, 2015. Collection method: clinical testing. Allele origin: unknown.

Breakthrough Genomics
Classification: Uncertain significance. Review status: criteria provided, single submitter. Criteria: ACMG Guidelines, 2015. Collection method: not provided. Allele origin: germline. Inheritance: Autosomal recessive inheritance. Affected: yes.

Literature cited by the submitters: PubMed 34356170 (cited by Women's Health and Genetics/Laboratory Corporation of America, LabCorp and Ambry Genetics); PubMed 29110115 (cited by 3 submitters); PubMed 38088023 (cited by Women's Health and Genetics/Laboratory Corporation of America, LabCorp); PubMed 40565516 (cited by Women's Health and Genetics/Laboratory Corporation of America, LabCorp).